The following is an entry in ClinVar:

ClinVar aggregate classification (germline): Pathogenic. Review status: criteria provided, multiple submitters, no conflicts (2 of 4 stars). 3 submissions from 3 submitters: Pathogenic (3). Last evaluated 2023-08-15.

Conditions:
Hereditary cancer-predisposing syndrome. Also called: Neoplastic Syndromes, Hereditary; Hereditary Cancer Syndrome; Tumor predisposition; Hereditary neoplastic syndrome. Identifiers: Orphanet 140162, MedGen C0027672, MeSH D009386, MONDO:0015356.
Lynch syndrome 5 (LYNCH5). Also called: Colorectal cancer, hereditary nonpolyposis, type 5; Hereditary non-polyposis colorectal cancer, type 5. Identifiers: Orphanet 144, MedGen C1833477, MONDO:0013710, OMIM 614350. Disease mechanism: loss of function.

Submissions (3):

Myriad Genetics, Inc.
Classification: Pathogenic for Lynch syndrome 5. Last evaluated: 2023-08-15. Review status: criteria provided, single submitter. Criteria: Myriad Autosomal Dominant, Autosomal Recessive and X-Linked Classification Criteria (2023). Collection method: clinical testing. Allele origin: unknown.
Comment: This variant is considered pathogenic. This variant creates a frameshift predicted to result in premature protein truncation.

Ambry Genetics
Classification: Pathogenic for Hereditary cancer-predisposing syndrome. Last evaluated: 2017-11-21. Review status: criteria provided, single submitter. Criteria: Ambry Variant Classification Scheme 2023. Collection method: clinical testing. Allele origin: germline.
Comment: The c.1619_1620delTT pathogenic mutation, located in coding exon 4 of the MSH6 gene, results from a deletion of two nucleotides at nucleotide positions 1619 to 1620, causing a translational frameshift with a predicted alternate stop codon (p.L540Qfs*22). This alteration is expected to result in loss of function by premature protein truncation or nonsense-mediated mRNA decay. As such, this alteration is interpreted as a disease-causing mutation.

GeneDx
Classification: Pathogenic. Last evaluated: 2017-11-03. Review status: criteria provided, single submitter. Criteria: GeneDx Variant Classification (06012015). Collection method: clinical testing. Allele origin: germline. Affected: yes.
Comment: This deletion of two nucleotides in MSH6 is denoted c.1619_1620delTT at the cDNA level and p.Leu540GlnfsX22 (L540QfsX22) at the protein level. The normal sequence, with the bases that are deleted in brackets, is CTTC[delTT]AGCC. The deletion causes a frameshift which changes a Leucine to a Glutamine at codon 540, and creates a premature stop codon at position 22 of the new reading frame. Although this variant has not, to our knowledge, been reported in the literature, it is predicted to cause loss of normal protein function through either protein truncation or nonsense-mediated mRNA decay. We consider this variant to be pathogenic.

NM_000179.3(MSH6):c.1619_1620del (p.Leu540fs)

Gene: MSH6 (mutS homolog 6; plus strand). Cytogenetic location: 2p16.3.
Variant type: Deletion.
Coding change: c.1619_1620del on transcript NM_000179.3 (MANE Select); coding-DNA positions 1619 to 1620, 2 bases deleted (TT; older notation c.1619_1620delTT).
Protein change: p.Leu540fs; shifts the reading frame from leucine 540.
Molecular consequence: frameshift variant.
Genome position (GRCh38, 1-based): chr2:47,799,602-47,799,603, TT deleted. VCF-style (leftmost placement, unchanged base first): chr2-47799601-CTT-C. GRCh37 (hg19) VCF-style: chr2-48026740-CTT-C.
Other names: c.1229_1230del, p.Leu410fs (NM_001281492.2); c.713_714del, p.Leu238fs (NM_001281493.2, NM_001281494.2); c.1619_1620delTT (NM_000179.2); short protein forms L540fs, L238fs, L410fs.
Identifiers: ClinVar variation 545839 (VCV000545839.5), dbSNP rs1553413006, ClinGen allele CA658822255.
Genomic context (GRCh38, chr2:47,799,601, plus strand): 5'-GGTACACAGACTTACAGTGTGCTGGAAGGTGATCCCTCTGAGAACTACAGTAAGTATCTT[CTT>C]AGCCTCAAAGAAAAAGAGGAAGATTCTTCTGGCCATACTCGTGCATATGGTGTGTGCTTT-3'